The following is an entry in ClinVar:

ClinVar aggregate classification (germline): Benign. Review status: criteria provided, multiple submitters, no conflicts (2 of 4 stars). 5 submissions from 5 submitters: Benign (5). Last evaluated 2026-02-04.

Conditions:
Epidermolysis bullosa simplex due to plakophilin deficiency. Also called: MCGRATH SYNDROME. Identifiers: Orphanet 158668, MedGen C1858302, MONDO:0011472, OMIM 604536.

Allele frequency attached by ClinVar (database versions not stated): TOPMed 0.16738; gnomAD 0.16943 and 0.16591; gnomAD exomes 0.11570; ExAC 0.12174; ESP Exome Variant Server 0.17361; 1000 Genomes Project 0.18031; 1000 Genomes Project 30x 0.18676.
gnomAD v4.1: 167,544 of 1,613,826 alleles (10%); highest among the groups gnomAD compares: African/African-American, 34%; 11,496 homozygotes.

Submissions (5):

Labcorp Genetics (formerly Invitae), Labcorp
Classification: Benign. Last evaluated: 2026-02-04. Review status: criteria provided, single submitter. Criteria: Invitae Variant Classification Sherloc (09022015). Collection method: clinical testing. Allele origin: germline.

GeneDx
Classification: Benign. Last evaluated: 2018-11-12. Review status: criteria provided, single submitter. Criteria: GeneDx Variant Classification Process June 2021. Collection method: clinical testing. Allele origin: germline. Affected: yes.

Illumina Laboratory Services, Illumina
Classification: Benign for Epidermolysis bullosa simplex due to plakophilin deficiency. Last evaluated: 2018-01-13. Review status: criteria provided, single submitter. Criteria: ICSL Variant Classification Criteria 13 December 2019. Collection method: clinical testing. Allele origin: germline.
Comment: This variant was observed in the ICSL laboratory as part of a predisposition screen in an ostensibly healthy population. It had not been previously curated by ICSL or reported in the Human Gene Mutation Database (HGMD: prior to June 1st, 2018), and was therefore a candidate for classification through an automated scoring system. Utilizing variant allele frequency, disease prevalence and penetrance estimates, and inheritance mode, an automated score was calculated to assess if this variant is too frequent to cause the disease. Based on the score and internal cut-off values, a variant classified as benign is not then subjected to further curation. The score for this variant resulted in a classification of benign for this disease.

Breakthrough Genomics
Classification: Benign. Review status: criteria provided, single submitter. Criteria: ACMG Guidelines, 2015. Collection method: not provided. Allele origin: germline. Inheritance: Autosomal recessive inheritance. Affected: yes.

PreventionGenetics, part of Exact Sciences
Classification: Benign. Review status: criteria provided, single submitter. Criteria: ACMG Guidelines, 2015. Collection method: clinical testing. Allele origin: germline.

NM_001005337.3(PKP1):c.36C>T (p.Tyr12=)

Gene: PKP1 (plakophilin 1; plus strand). Cytogenetic location: 1q32.1.
Variant type: single nucleotide variant.
Coding change: c.36C>T on transcript NM_001005337.3 (MANE Select); coding-DNA position 36, C replaced by T.
Protein change: p.Tyr12=; no amino-acid change (tyrosine 12 retained).
Molecular consequence: synonymous variant.
Genome position (GRCh38, 1-based): chr1:201,283,738, C>T. VCF-style: chr1-201283738-C-T. GRCh37 (hg19) VCF-style: chr1-201252866-C-T.
Other names: c.36C>T, p.Tyr12= (NM_000299.4).
Identifiers: ClinVar variation 256861 (VCV000256861.17), dbSNP rs2268147, ClinGen allele CA1323960.